The following is an entry in ClinVar:

NM_032656.4(DHX37):c.3301C>T (p.Arg1101Cys)

Gene: DHX37 (DEAH-box helicase 37; minus strand). Cytogenetic location: 12q24.31.
Variant type: single nucleotide variant.
Coding change: c.3301C>T on transcript NM_032656.4 (MANE Select); coding-DNA position 3301, C replaced by T.
Protein change: p.Arg1101Cys; replaces arginine 1101 with cysteine.
Molecular consequence: missense variant.
Genome position (GRCh38, 1-based): chr12:124,948,171, G>A on the plus strand (C>T on the coding strand, the complement: DHX37 is on the minus strand). VCF-style: chr12-124948171-G-A. GRCh37 (hg19) VCF-style: chr12-125432717-G-A.
Other names: c.3301C>T (NM_032656.3); short protein forms R1101C.
Identifiers: ClinVar variation 3025788 (VCV003025788.25), dbSNP rs369243193, ClinGen allele CA6871255.

ClinVar aggregate classification (germline): Uncertain significance. Review status: criteria provided, multiple submitters, no conflicts (2 of 4 stars). 3 submissions from 3 submitters: Uncertain significance (3). Last evaluated 2025-12-01.

Conditions:
Inborn genetic diseases. Identifiers: MedGen C0950123, MeSH D030342.

Allele frequency attached by ClinVar (database versions not stated): gnomAD exomes 0.00001; TOPMed 0.00002; ExAC 0.00004; ESP Exome Variant Server 0.00008.
gnomAD v4.1: 25 of 1,613,848 alleles (0.0015%); highest among the groups gnomAD compares: East Asian, 0.0022%; no homozygotes.

Submissions (3):

Labcorp Genetics (formerly Invitae), Labcorp
Classification: Uncertain significance. Last evaluated: 2025-12-01. Review status: criteria provided, single submitter. Criteria: Invitae Variant Classification Sherloc (09022015). Collection method: clinical testing. Allele origin: germline.
Comment: This sequence change replaces arginine, which is basic and polar, with cysteine, which is neutral and slightly polar, at codon 1101 of the DHX37 protein (p.Arg1101Cys). This variant is present in population databases (rs369243193, gnomAD 0.006%). This variant has not been reported in the literature in individuals affected with DHX37-related conditions. ClinVar contains an entry for this variant (Variation ID: 3025788). An algorithm developed to predict the effect of missense changes on protein structure and function (PolyPhen-2) suggests that this variant is likely to be disruptive. In summary, the available evidence is currently insufficient to determine the role of this variant in disease. Therefore, it has been classified as a Variant of Uncertain Significance.

Ambry Genetics
Classification: Uncertain significance for Inborn genetic diseases. Last evaluated: 2024-09-08. Review status: criteria provided, single submitter. Criteria: Ambry Variant Classification Scheme 2023. Collection method: clinical testing. Allele origin: germline.

CeGaT Center for Human Genetics Tuebingen
Classification: Uncertain significance. Last evaluated: 2024-01-01. Review status: criteria provided, single submitter. Criteria: CeGaT Center For Human Genetics Tuebingen Variant Classification Criteria Version 2. Collection method: clinical testing. Allele origin: germline. Affected: yes. Observed: 1 variant allele.
Comment: DHX37: PM2:Supporting